The following is an entry in ClinVar:

ClinVar aggregate classification (germline): Uncertain significance. Review status: criteria provided, multiple submitters, no conflicts (2 of 4 stars). 2 submissions from 2 submitters: Uncertain significance (2). Last evaluated 2023-08-10.

gnomAD v4.1: 55 of 1,606,120 alleles (0.0034%); highest among the groups gnomAD compares: Middle Eastern, 0.033%; 1 homozygote.

Submissions (2):

Labcorp Genetics (formerly Invitae), Labcorp
Classification: Uncertain significance. Last evaluated: 2023-08-10. Review status: criteria provided, single submitter. Criteria: Invitae Variant Classification Sherloc (09022015). Collection method: clinical testing. Allele origin: germline.
Comment: This sequence change falls in intron 20 of the ANK3 gene. It does not directly change the encoded amino acid sequence of the ANK3 protein. It affects a nucleotide within the consensus splice site. This variant is present in population databases (rs114581617, gnomAD 0.03%). ClinVar contains an entry for this variant (Variation ID: 1444318). This variant has not been reported in the literature in individuals affected with ANK3-related conditions. In summary, the available evidence is currently insufficient to determine the role of this variant in disease. Therefore, it has been classified as a Variant of Uncertain Significance. Variants that disrupt the consensus splice site are a relatively common cause of aberrant splicing (PMID: 17576681, 9536098). Algorithms developed to predict the effect of sequence changes on RNA splicing suggest that this variant is not likely to affect RNA splicing.

Breakthrough Genomics
Classification: Uncertain significance. Review status: criteria provided, single submitter. Criteria: ACMG Guidelines, 2015. Collection method: not provided. Allele origin: germline. Inheritance: Autosomal recessive inheritance. Affected: yes.

Literature cited by the submitters: PubMed 17576681 (cited by Labcorp Genetics (formerly Invitae), Labcorp); PubMed 9536098 (cited by Labcorp Genetics (formerly Invitae), Labcorp).

NM_020987.5(ANK3):c.2382+6C>T

Gene: ANK3 (ankyrin 3; minus strand). Cytogenetic location: 10q21.2.
Variant type: single nucleotide variant.
Coding change: c.2382+6C>T on transcript NM_020987.5 (MANE Select); 6 bases into the intron after coding-DNA position 2382, C replaced by T.
Molecular consequence: intron variant.
Genome position (GRCh38, 1-based): chr10:60,172,894, G>A on the plus strand (C>T on the coding strand, the complement: ANK3 is on the minus strand). VCF-style: chr10-60172894-G-A. GRCh37 (hg19) VCF-style: chr10-61932652-G-A.
Other names: c.2364+6C>T (NM_001204403.2); c.2331+6C>T (NM_001204404.2); c.2382+6C>T (NM_001320874.2).
Identifiers: ClinVar variation 1444318 (VCV001444318.7), dbSNP rs114581617, ClinGen allele CA5512842.